The following is an entry in ClinVar:

NM_001360.3(DHCR7):c.1022T>C (p.Leu341Pro)

Gene: DHCR7 (7-dehydrocholesterol reductase; minus strand). Cytogenetic location: 11q13.4.
Variant type: single nucleotide variant.
Coding change: c.1022T>C on transcript NM_001360.3 (MANE Select); coding-DNA position 1022, T replaced by C.
Protein change: p.Leu341Pro; replaces leucine 341 with proline.
Molecular consequence: missense variant.
Genome position (GRCh38, 1-based): chr11:71,435,781, A>G on the plus strand (T>C on the coding strand, the complement: DHCR7 is on the minus strand). VCF-style: chr11-71435781-A-G. GRCh37 (hg19) VCF-style: chr11-71146827-A-G.
Other names: c.1022T>C, p.Leu341Pro (NM_001163817.2); short protein forms L341P.
Identifiers: ClinVar variation 551380 (VCV000551380.14), dbSNP rs1317526744, ClinGen allele CA381702390.
Genomic context (GRCh38, chr11:71,435,781, plus strand): 5'-AACAGGTCCTTCTGGTGGTTGGCCACCCGGAAGATGTAGTAGCCCACCAGGCCCAGCAGC[A>G]GGACGCCCACGGCGTGCGGGGTGGACAGCTGCACGGGGTGGTACACCAAGTACAGACCCT-3'
Protein context (NP_001351.2, residues 331-351): QLSTPHAVGV[Leu341Pro]LLGLVGYYIF

ClinVar aggregate classification (germline): Conflicting classifications of pathogenicity. Review status: criteria provided, conflicting classifications (1 of 4 stars). 5 submissions from 5 submitters: Likely pathogenic (1); Uncertain significance (3). 1 of the submissions does not count toward it. Last evaluated 2025-07-30.

Conditions:
Inborn genetic diseases. Identifiers: MedGen C0950123, MeSH D030342.
Smith-Lemli-Opitz syndrome (SLOS). Also called: 7-Dehydrocholesterol reductase deficiency; LETHAL ACRODYSGENITAL SYNDROME; POLYDACTYLY, SEX REVERSAL, RENAL HYPOPLASIA, AND UNILOBAR LUNG; RSH SYNDROME; RUTLEDGE LETHAL MULTIPLE CONGENITAL ANOMALY SYNDROME. Identifiers: Orphanet 818, MedGen C0175694, MONDO:0010035, OMIM 270400.

Allele frequency attached by ClinVar (database versions not stated): gnomAD exomes below 0.00001 and 0.00001.
gnomAD v4.1: 13 of 1,609,162 alleles (0.00081%); highest among the groups gnomAD compares: Non-Finnish European, 0.0011%; no homozygotes.

Submissions (5):

Myriad Genetics, Inc.
Classification: Uncertain significance for Smith-Lemli-Opitz syndrome. Last evaluated: 2025-07-30. Review status: criteria provided, single submitter. Criteria: Myriad Autosomal Dominant, Autosomal Recessive and X-Linked Classification Criteria (2023). Collection method: clinical testing. Allele origin: unknown.
Comment: NM_001360.2(DHCR7):c.1022T>C(L341P) is a missense variant classified as a variant of uncertain significance in the context of Smith-Lemli-Opitz syndrome. L341P has been observed in a case with relevant disease (PMID: 15896653). Relevant functional assessments of this variant are available in the literature (PMID: 15896653). L341P has been observed in referenced population frequency databases. In summary, there is insufficient evidence to classify NM_001360.2(DHCR7):c.1022T>C(L341P) as pathogenic or benign. Please note: this variant was assessed in the context of healthy population screening.

GeneDx
Classification: Uncertain significance. Last evaluated: 2022-07-11. Review status: criteria provided, single submitter. Criteria: GeneDx Variant Classification Process June 2021. Collection method: clinical testing. Allele origin: germline. Affected: yes.
Comment: Not observed at significant frequency in large population cohorts (gnomAD); In silico analysis supports that this missense variant has a deleterious effect on protein structure/function; This variant is associated with the following publications: (PMID: 10995508)

Labcorp Genetics (formerly Invitae), Labcorp
Classification: Likely pathogenic for Smith-Lemli-Opitz syndrome. Last evaluated: 2021-05-19. Review status: criteria provided, single submitter. Criteria: Invitae Variant Classification Sherloc (09022015). Collection method: clinical testing. Allele origin: germline.
Comment: In summary, the currently available evidence indicates that the variant is pathogenic, but additional data are needed to prove that conclusively. Therefore, this variant has been classified as Likely Pathogenic. Advanced modeling of protein sequence and biophysical properties (such as structural, functional, and spatial information, amino acid conservation, physicochemical variation, residue mobility, and thermodynamic stability) performed at Invitae indicates that this missense variant is expected to disrupt DHCR7 protein function. This variant has been observed in individual(s) with DHCR7-related conditions (PMID: 10995508). ClinVar contains an entry for this variant (Variation ID: 551380). This variant is not present in population databases (ExAC no frequency). This sequence change replaces leucine with proline at codon 341 of the DHCR7 protein (p.Leu341Pro). The leucine residue is highly conserved and there is a moderate physicochemical difference between leucine and proline.

Ambry Genetics
Classification: Uncertain significance for Inborn genetic diseases. Last evaluated: 2020-09-02. Review status: criteria provided, single submitter. Criteria: Ambry Variant Classification Scheme 2023. Collection method: clinical testing. Allele origin: germline.
Comment: The p.L341P variant (also known as c.1022T>C), located in coding exon 7 of the DHCR7 gene, results from a T to C substitution at nucleotide position 1022. The leucine at codon 341 is replaced by proline, an amino acid with similar properties. This variant was detected in an individual with Smith-Lemli-Opitz syndrome in conjunction with a second variant; however, phase was not confirmed (Krakowiak PA et al. Am. J. Med. Genet., 2000 Sep;94:214-27). Analysis in cells from this individual demonstrated reduced fractional cholesterol synthesis compared to wild type (Wassif CA et al. Mol. Genet. Metab., 2005 Jun;85:96-107). This amino acid position is highly conserved in available vertebrate species. In addition, this alteration is predicted to be deleterious by in silico analysis. Since supporting evidence is limited at this time, the clinical significance of this alteration remains unclear.

Counsyl
Classification: Uncertain significance for Smith-Lemli-Opitz syndrome. Last evaluated: 2017-04-05. Review status: no assertion criteria provided. Collection method: clinical testing. Allele origin: unknown. Not counted in ClinVar's aggregate classification.

Literature cited by the submitters: PubMed 15896653 (cited by 3 submitters); PubMed 10995508 (cited by Labcorp Genetics (formerly Invitae), Labcorp and Ambry Genetics).